The following is an entry in ClinVar:

NM_006346.4(PIBF1):c.2127A>G (p.Thr709=)

Gene: PIBF1 (progesterone immunomodulatory binding factor 1; plus strand). Cytogenetic location: 13q22.1.
Variant type: single nucleotide variant.
Coding change: c.2127A>G on transcript NM_006346.4 (MANE Select); coding-DNA position 2127, A replaced by G.
Protein change: p.Thr709=; no amino-acid change (threonine 709 retained).
Molecular consequence: synonymous variant. On other transcripts: non-coding transcript variant (2).
Genome position (GRCh38, 1-based): chr13:72,998,899, A>G. VCF-style: chr13-72998899-A-G. GRCh37 (hg19) VCF-style: chr13-73573037-A-G.
Other names: c.2214A>G, p.Thr738= (NM_001349655.2).
Identifiers: ClinVar variation 4534144 (VCV004534144.6).

ClinVar aggregate classification (germline): Likely benign (1 of 4 stars; one submission).

gnomAD v4.1: 62 of 1,612,584 alleles (0.0038%); highest among the groups gnomAD compares: Middle Eastern, 0.099%; no homozygotes.

Submission:

CeGaT Center for Human Genetics Tuebingen
Classification: Likely benign. Last evaluated: 2025-10-01. Review status: criteria provided, single submitter. Criteria: CeGaT Center For Human Genetics Tuebingen Variant Classification Criteria Version 2. Collection method: clinical testing. Allele origin: germline. Affected: yes. Observed: 1 variant allele.
Comment: PIBF1: BP4, BP7